The following is an entry in ClinVar:

NM_006017.3(PROM1):c.1799G>T (p.Ser600Ile)

Gene: PROM1 (prominin 1; minus strand). Cytogenetic location: 4p15.32.
Variant type: single nucleotide variant.
Coding change: c.1799G>T on transcript NM_006017.3 (MANE Select); coding-DNA position 1799, G replaced by T.
Protein change: p.Ser600Ile; replaces serine 600 with isoleucine.
Molecular consequence: missense variant.
Genome position (GRCh38, 1-based): chr4:15,992,360, C>A on the plus strand (G>T on the coding strand, the complement: PROM1 is on the minus strand). VCF-style: chr4-15992360-C-A. GRCh37 (hg19) VCF-style: chr4-15993983-C-A.
Other names: c.1772G>T, p.Ser591Ile (NM_001145847.2, NM_001145848.2, NM_001145851.2 and 4 more transcripts); c.1799G>T, p.Ser600Ile (NM_001145849.2, NM_001145850.2); short protein forms S591I, S600I.
Identifiers: ClinVar variation 2033161 (VCV002033161.4), dbSNP rs375948650, ClinGen allele CA2866627.

ClinVar aggregate classification (germline): Uncertain significance (1 of 4 stars; one submission).

Allele frequency attached by ClinVar (database versions not stated): ExAC 0.00002; gnomAD 0.00001; ESP Exome Variant Server 0.00008.
gnomAD v4.1: 31 of 1,613,780 alleles (0.0019%); highest among the groups gnomAD compares: Non-Finnish European, 0.0025%; no homozygotes.

Submission:

Labcorp Genetics (formerly Invitae), Labcorp
Classification: Uncertain significance. Last evaluated: 2026-01-27. Review status: criteria provided, single submitter. Criteria: Invitae Variant Classification Sherloc (09022015). Collection method: clinical testing. Allele origin: germline.
Comment: This sequence change replaces serine, which is neutral and polar, with isoleucine, which is neutral and non-polar, at codon 600 of the PROM1 protein (p.Ser600Ile). This variant is present in population databases (rs375948650, gnomAD 0.003%). This variant has not been reported in the literature in individuals affected with PROM1-related conditions. ClinVar contains an entry for this variant (Variation ID: 2033161). Invitae Evidence Modeling of protein sequence and biophysical properties (such as structural, functional, and spatial information, amino acid conservation, physicochemical variation, residue mobility, and thermodynamic stability) indicates that this missense variant is not expected to disrupt PROM1 protein function with a negative predictive value of 80%. In summary, the available evidence is currently insufficient to determine the role of this variant in disease. Therefore, it has been classified as a Variant of Uncertain Significance.